The following is an entry in ClinVar:

ClinVar aggregate classification (germline): Uncertain significance. Review status: criteria provided, multiple submitters, no conflicts (2 of 4 stars). 2 submissions from 2 submitters: Uncertain significance (2). Last evaluated 2023-11-23.

Conditions:
Cardiovascular phenotype. Identifiers: MedGen CN230736.
Dilated cardiomyopathy 1J (CMD1J). Also called: CARDIOMYOPATHY, DILATED, WITH SENSORINEURAL HEARING LOSS, AUTOSOMAL DOMINANT. Identifiers: Orphanet 217622, MedGen C1854368, MONDO:0011541, OMIM 605362.

Allele frequency attached by ClinVar (database versions not stated): gnomAD 0.00001; TOPMed 0.00001.
gnomAD v4.1: 1 of 1,612,812 alleles (0.000062%); highest among the groups gnomAD compares: Non-Finnish European, 0.000085%; no homozygotes.

Submissions (2):

Ambry Genetics
Classification: Uncertain significance for Cardiovascular phenotype. Last evaluated: 2023-11-23. Review status: criteria provided, single submitter. Criteria: Ambry Variant Classification Scheme 2023. Collection method: clinical testing. Allele origin: germline.
Comment: The p.D435G variant (also known as c.1304A>G), located in coding exon 14 of the EYA4 gene, results from an A to G substitution at nucleotide position 1304. The aspartic acid at codon 435 is replaced by glycine, an amino acid with similar properties. This amino acid position is conserved. In addition, this alteration is predicted to be deleterious by in silico analysis. Since supporting evidence is limited at this time, the clinical significance of this alteration remains unclear.

Labcorp Genetics (formerly Invitae), Labcorp
Classification: Uncertain significance for Dilated cardiomyopathy 1J. Last evaluated: 2023-08-29. Review status: criteria provided, single submitter. Criteria: Invitae Variant Classification Sherloc (09022015). Collection method: clinical testing. Allele origin: germline.
Comment: This sequence change replaces aspartic acid, which is acidic and polar, with glycine, which is neutral and non-polar, at codon 435 of the EYA4 protein (p.Asp435Gly). This variant is not present in population databases (gnomAD no frequency). This variant has not been reported in the literature in individuals affected with EYA4-related conditions. ClinVar contains an entry for this variant (Variation ID: 534386). Advanced modeling of protein sequence and biophysical properties (such as structural, functional, and spatial information, amino acid conservation, physicochemical variation, residue mobility, and thermodynamic stability) performed at Invitae indicates that this missense variant is expected to disrupt EYA4 protein function. In summary, the available evidence is currently insufficient to determine the role of this variant in disease. Therefore, it has been classified as a Variant of Uncertain Significance.

NM_004100.5(EYA4):c.1304A>G (p.Asp435Gly)

Genes: TARID (TCF21 antisense RNA inducing promoter demethylation; minus strand), EYA4 (EYA transcriptional coactivator and phosphatase 4; plus strand). Cytogenetic location: 6q23.2.
Variant type: single nucleotide variant.
Coding change: c.1304A>G on transcript NM_004100.5 (MANE Select); coding-DNA position 1304, A replaced by G.
Protein change: p.Asp435Gly; replaces aspartic acid 435 with glycine.
Molecular consequence: missense variant.
Genome position (GRCh38, 1-based): chr6:133,512,743, A>G. VCF-style: chr6-133512743-A-G. GRCh37 (hg19) VCF-style: chr6-133833881-A-G.
Other names: c.1142A>G, p.Asp381Gly (NM_001301012.2); c.1322A>G, p.Asp441Gly (NM_001301013.2); c.1235A>G, p.Asp412Gly (NM_001370458.1, NM_172103.4); c.1160A>G, p.Asp387Gly (NM_001370459.1); c.1304A>G, p.Asp435Gly (NM_172105.4); short protein forms D435G, D381G, D387G, D441G, D412G.
Identifiers: ClinVar variation 534386 (VCV000534386.9), dbSNP rs977093056, ClinGen allele CA148073427.